The following is an entry in ClinVar:

ClinVar aggregate classification (germline): Uncertain significance (1 of 4 stars; one submission).

Conditions:
Hereditary cancer-predisposing syndrome. Also called: Tumor predisposition; Neoplastic Syndromes, Hereditary; Hereditary neoplastic syndrome; Hereditary Cancer Syndrome. Identifiers: Orphanet 140162, MedGen C0027672, MeSH D009386, MONDO:0015356.

Submission:

Ambry Genetics
Classification: Uncertain significance for Hereditary cancer-predisposing syndrome. Last evaluated: 2025-08-19. Review status: criteria provided, single submitter. Criteria: Ambry Variant Classification Scheme 2023. Collection method: clinical testing. Allele origin: germline.
Comment: The p.P1135R variant (also known as c.3404C>G), located in coding exon 5 of the MSH6 gene, results from a C to G substitution at nucleotide position 3404. The proline at codon 1135 is replaced by arginine, an amino acid with dissimilar properties. This amino acid position is conserved. In addition, this alteration is predicted to be deleterious by in silico analysis. Based on the available evidence, the clinical significance of this variant remains unclear.

NM_000179.3(MSH6):c.3404C>G (p.Pro1135Arg)

Gene: MSH6 (mutS homolog 6; plus strand). Cytogenetic location: 2p16.3.
Variant type: single nucleotide variant.
Coding change: c.3404C>G on transcript NM_000179.3 (MANE Select); coding-DNA position 3404, C replaced by G.
Protein change: p.Pro1135Arg; replaces proline 1135 with arginine.
Molecular consequence: missense variant. On other transcripts: non-coding transcript variant (5).
Genome position (GRCh38, 1-based): chr2:47,803,651, C>G. VCF-style: chr2-47803651-C-G. GRCh37 (hg19) VCF-style: chr2-48030790-C-G.
Other names: c.3230C>G, p.Pro1077Arg (NM_001406798.1); c.2879C>G, p.Pro960Arg (NM_001406799.1, NM_001406806.1, NM_001406807.1); c.3404C>G, p.Pro1135Arg (NM_001406800.1, NM_001406796.1, NM_001406808.1 and 1 more transcripts); c.3107C>G, p.Pro1036Arg (NM_001406801.1, NM_001406805.1, NM_001406827.1 and 10 more transcripts); c.3500C>G, p.Pro1167Arg (NM_001406802.1, NM_001406795.1); c.2540C>G, p.Pro847Arg (NM_001406803.1); c.3326C>G, p.Pro1109Arg (NM_001406804.1); c.3236C>G, p.Pro1079Arg (NM_001406826.1); and 7 more; short protein forms P1079R, P1135R, P613R, P1109R, P833R, P847R, P1036R, P1077R.
Identifiers: ClinVar variation 4111227 (VCV004111227.1).